The following is an entry in ClinVar:

NM_020778.5(ALPK3):c.1318C>T (p.Arg440Trp)

Gene: ALPK3 (alpha kinase 3; plus strand). Cytogenetic location: 15q25.3.
Variant type: single nucleotide variant.
Coding change: c.1318C>T on transcript NM_020778.5 (MANE Select); coding-DNA position 1318, C replaced by T.
Protein change: p.Arg440Trp; replaces arginine 440 with tryptophan.
Molecular consequence: missense variant.
Genome position (GRCh38, 1-based): chr15:84,840,597, C>T. VCF-style: chr15-84840597-C-T. GRCh37 (hg19) VCF-style: chr15-85383828-C-T.
Other names: short protein forms R440W.
Identifiers: ClinVar variation 1782748 (VCV001782748.6), dbSNP rs558339788, ClinGen allele CA7709161.
Genomic context (GRCh38, chr15:84,840,597, plus strand): 5'-CTGGAGAACACCCAGGCAGTCAGGCCTCTTGGGGAAGAGGGACCCCAGACCCTGAGTGTC[C>T]GGGCGCCTGGGGAGAGTCCCAAGGGGAAGGCACCCCTCAGGGCTAGAAGCGAGGGGGTGC-3'
Protein context (NP_065829.4, residues 430-450): GEEGPQTLSV[Arg440Trp]APGESPKGKA

ClinVar aggregate classification (germline): Uncertain significance. Review status: criteria provided, multiple submitters, no conflicts (2 of 4 stars). 2 submissions from 2 submitters: Uncertain significance (2). Last evaluated 2025-04-11.

Conditions:
Cardiovascular phenotype. Identifiers: MedGen CN230736.

Allele frequency attached by ClinVar (database versions not stated): TOPMed 0.00001; ExAC 0.00001; gnomAD exomes 0.00001; gnomAD 0.00001.
gnomAD v4.1: 7 of 1,564,428 alleles (0.00045%); highest among the groups gnomAD compares: South Asian, 0.0024%; no homozygotes.

Submissions (2):

Labcorp Genetics (formerly Invitae), Labcorp
Classification: Uncertain significance. Last evaluated: 2025-04-11. Review status: criteria provided, single submitter. Criteria: Invitae Variant Classification Sherloc (09022015). Collection method: clinical testing. Allele origin: germline.
Comment: This sequence change replaces arginine, which is basic and polar, with tryptophan, which is neutral and slightly polar, at codon 642 of the ALPK3 protein (p.Arg642Trp). The frequency data for this variant in the population databases is considered unreliable, as metrics indicate poor data quality at this position in the gnomAD database. This variant has not been reported in the literature in individuals affected with ALPK3-related conditions. ClinVar contains an entry for this variant (Variation ID: 1782748). An algorithm developed to predict the effect of missense changes on protein structure and function (PolyPhen-2) suggests that this variant is likely to be disruptive. In summary, the available evidence is currently insufficient to determine the role of this variant in disease. Therefore, it has been classified as a Variant of Uncertain Significance.

Ambry Genetics
Classification: Uncertain significance for Cardiovascular phenotype. Last evaluated: 2025-02-25. Review status: criteria provided, single submitter. Criteria: Ambry Variant Classification Scheme 2023. Collection method: clinical testing. Allele origin: germline.